The following is an entry in ClinVar:

NM_001267550.2(TTN):c.78248A>G (p.Tyr26083Cys)

Genes: TTN (titin; minus strand), TTN-AS1 (TTN antisense RNA 1; plus strand). Cytogenetic location: 2q31.2.
Variant type: single nucleotide variant.
Coding change: c.78248A>G on transcript NM_001267550.2 (MANE Select); coding-DNA position 78248, A replaced by G.
Protein change: p.Tyr26083Cys; replaces tyrosine 26083 with cysteine.
Molecular consequence: missense variant.
Genome position (GRCh38, 1-based): chr2:178,567,884, T>C on the plus strand (A>G on the coding strand, the complement: TTN is on the minus strand). VCF-style: chr2-178567884-T-C. GRCh37 (hg19) VCF-style: chr2-179432611-T-C.
Other names: c.73325A>G, p.Tyr24442Cys (NM_001256850.1); c.51053A>G, p.Tyr17018Cys (NM_003319.4); c.70544A>G, p.Tyr23515Cys (NM_133378.4); c.51428A>G, p.Tyr17143Cys (NM_133432.3); c.51629A>G, p.Tyr17210Cys (NM_133437.4); short protein forms Y26083C, Y17210C, Y17018C, Y17143C, Y23515C, Y24442C.
Identifiers: ClinVar variation 1745369 (VCV001745369.7), dbSNP rs910116004, ClinGen allele CA60991545.
Genomic context (GRCh38, chr2:178,567,884, plus strand): 5'-TTTCTTTTAACCATTATTGGTTCTGGGGTTCCTGGTGGGTCACAGGGATCTCTGGCTACA[T>C]AGCATTCAGAATTCTTGCTTGCTTTGCCTACACCAACAATATTTTCAGCATACACTCTGA-3'
Protein context (NP_001254479.2, residues 26073-26093): VGKASKNSEC[Tyr26083Cys]VARDPCDPPG

ClinVar aggregate classification (germline): Conflicting classifications of pathogenicity. Review status: criteria provided, conflicting classifications (1 of 4 stars). 4 submissions from 4 submitters: Uncertain significance (3); Likely benign (1). Last evaluated 2026-04-02.

Conditions:
TTN-related disorder. Also called: TTN-related disorders; TTN-related condition; TTN-related disease.
Cardiovascular phenotype. Identifiers: MedGen CN230736.

Allele frequency attached by ClinVar (database versions not stated): gnomAD exomes below 0.00001; gnomAD 0.00001; TOPMed 0.00002.
gnomAD v4.1: 6 of 1,613,460 alleles (0.00037%); highest among the groups gnomAD compares: African/African-American, 0.008%; no homozygotes.

Submissions (4):

PreventionGenetics, part of Exact Sciences
Classification: Uncertain significance for TTN-related condition. Last evaluated: 2026-04-02. Review status: criteria provided, single submitter. Criteria: ACMG Guidelines, 2015. Collection method: clinical testing. Allele origin: germline.
Comment: The TTN c.78248A>G variant is predicted to result in the amino acid substitution p.Tyr26083Cys. To our knowledge, this variant has not been reported in the literature. This variant is reported in 0.0083% of alleles in individuals of African descent in gnomAD. At this time, the clinical significance of this variant is uncertain due to the absence of conclusive functional and genetic evidence.

Molecular Diagnostic Laboratory for Inherited Cardiovascular Disease, Montreal Heart Institute
Classification: Likely benign. Last evaluated: 2026-03-27. Review status: criteria provided, single submitter. Criteria: ACMG Guidelines, 2015. Collection method: clinical testing. Allele origin: germline. Affected: no.

Revvity Omics, Revvity
Classification: Uncertain significance. Last evaluated: 2021-06-04. Review status: criteria provided, single submitter. Criteria: ACMG Guidelines, 2015. Collection method: clinical testing. Allele origin: germline.

Ambry Genetics
Classification: Uncertain significance for Cardiovascular phenotype. Last evaluated: 2020-02-24. Review status: criteria provided, single submitter. Criteria: Ambry Variant Classification Scheme 2023. Collection method: clinical testing. Allele origin: germline.
Comment: The p.Y17018C variant (also known as c.51053A>G), located in coding exon 153 of the TTN gene, results from an A to G substitution at nucleotide position 51053. The tyrosine at codon 17018 is replaced by cysteine, an amino acid with highly dissimilar properties. This amino acid position is well conserved in available vertebrate species. In addition, the in silico prediction for this alteration is inconclusive. Since supporting evidence is limited at this time, the clinical significance of this alteration remains unclear.